The following is an entry in ClinVar:

NM_001384732.1(CPLANE1):c.1467C>A (p.Val489=)

Gene: CPLANE1 (ciliogenesis and planar polarity effector complex subunit 1; minus strand). Cytogenetic location: 5p13.2.
Variant type: single nucleotide variant.
Coding change: c.1467C>A on transcript NM_001384732.1 (MANE Select); coding-DNA position 1467, C replaced by A.
Protein change: p.Val489=; no amino-acid change (valine 489 retained).
Molecular consequence: synonymous variant.
Genome position (GRCh38, 1-based): chr5:37,227,297, G>T on the plus strand (C>A on the coding strand, the complement: CPLANE1 is on the minus strand). VCF-style: chr5-37227297-G-T. GRCh37 (hg19) VCF-style: chr5-37227399-G-T.
Other names: c.1467C>A, p.Val489= (NM_023073.4).
Identifiers: ClinVar variation 508652 (VCV000508652.10), dbSNP rs1294855346, ClinGen allele CA444098315.
Genomic context (GRCh38, chr5:37,227,297, plus strand): 5'-AAGTACCTGAAAATCTGCTGCATTTTCATTTATTGTTTCTTCTGCCTGCAAGAATTTGGG[G>T]ACAGTGAAATCGGCTGAACTTTCATTTCCTTGGTGTTCTAACAGGCTAGACCTTAGGGAA-3'
Protein context (NP_001371661.1, residues 479-499): QGNESSADFT[Val489=]PKFLQAEETI

ClinVar aggregate classification (germline): Likely benign. Review status: criteria provided, multiple submitters, no conflicts (2 of 4 stars). 2 submissions from 2 submitters: Likely benign (2). Last evaluated 2025-06-16.

Allele frequency attached by ClinVar (database versions not stated): gnomAD 0.00002; gnomAD exomes 0.00002; TOPMed 0.00002.
gnomAD v4.1: 21 of 1,552,046 alleles (0.0014%); highest among the groups gnomAD compares: Non-Finnish European, 0.0018%; no homozygotes.

Submissions (2):

Labcorp Genetics (formerly Invitae), Labcorp
Classification: Likely benign. Last evaluated: 2025-06-16. Review status: criteria provided, single submitter. Criteria: Invitae Variant Classification Sherloc (09022015). Collection method: clinical testing. Allele origin: germline.

GeneDx
Classification: Likely benign. Last evaluated: 2017-04-10. Review status: criteria provided, single submitter. Criteria: GeneDx Variant Classification (06012015). Collection method: clinical testing. Allele origin: germline. Affected: yes.
Comment: This variant is considered likely benign or benign based on one or more of the following criteria: it is a conservative change, it occurs at a poorly conserved position in the protein, it is predicted to be benign by multiple in silico algorithms, and/or has population frequency not consistent with disease.